The following is an entry in ClinVar:

NM_006939.4(SOS2):c.1196+6del

Gene: SOS2 (SOS Ras/Rho guanine nucleotide exchange factor 2; minus strand). Cytogenetic location: 14q21.3.
Variant type: Deletion.
Coding change: c.1196+6del on transcript NM_006939.4 (MANE Select); 6 bases into the intron after coding-DNA position 1196, one base deleted (T; older notation c.1196+6delT).
Molecular consequence: intron variant.
Genome position (GRCh38, 1-based): chr14:50,161,476, A deleted on the plus strand (T on the coding strand, the reverse complement: SOS2 is on the minus strand); the first of 2 consecutive A bases (chr14:50,161,476-50,161,477); deleting either gives the same sequence. VCF-style (leftmost placement, unchanged base first): chr14-50161475-GA-G. GRCh37 (hg19) VCF-style: chr14-50628193-GA-G.
Identifiers: ClinVar variation 1806748 (VCV001806748.1), dbSNP rs2503001893, ClinGen allele CA2580088208.

ClinVar aggregate classification (germline): Uncertain significance (1 of 4 stars; one submission).

Submission:

GeneDx
Classification: Uncertain significance. Last evaluated: 2022-06-22. Review status: criteria provided, single submitter. Criteria: GeneDx Variant Classification Process June 2021. Collection method: clinical testing. Allele origin: germline. Affected: yes.
Comment: Not observed at significant frequency in large population cohorts (gnomAD); Has not been previously published as pathogenic or benign to our knowledge; In-silico analysis is inconclusive as to whether the variant alters gene splicing. In the absence of RNA/functional studies, the actual effect of this sequence change is unknown..